The following is an entry in ClinVar:

ClinVar aggregate classification (germline): Likely benign. Review status: reviewed by expert panel (3 of 4 stars). 2 submissions from 2 submitters: Likely benign (1). 1 of the submissions does not count toward it. Last evaluated 2024-09-30.

Conditions:
Hereditary thrombocytopenia and hematologic cancer predisposition syndrome. Identifiers: Orphanet 71290, MedGen CN281654, MONDO:0011071.
Hereditary thrombocytopenia and hematological cancer predisposition syndrome associated with RUNX1. Also called: Familial Platelet Disorder with Propensity to Acute Myelogenous Leukemia; Familial thrombocytopenia with propensity to acute myelogenous leukemia; PLATELET DISORDER, ASPIRIN-LIKE; RUNX1 Familial Platelet Disorder with Associated Myeloid Malignancies. Identifiers: Orphanet 71290, MedGen C1832388, MeSH C563324, MONDO:0100083, OMIM 601399.

Submissions (2):

ClinGen Myeloid Malignancy Variant Curation Expert Panel
Classification: Likely benign for Hereditary thrombocytopenia and hematologic cancer predisposition syndrome. Last evaluated: 2024-09-30. Review status: reviewed by expert panel. Criteria: ClinGen MyeloMalig ACMG Specifications v2. Collection method: curation. Allele origin: germline. Inheritance: Autosomal dominant inheritance.
Comment: NM_001754.5(RUNX1):c.97+10dup is an intronic variant which has a SpliceAI score ≤ 0.20 (0.05) (BP4). Evolutionary conservation algorithms predict the site as not being conserved (PhyloP score ≤ 2.0; -0.04, 0.18) (BP7). This variant is not present in any population database (PM2_supporting). In summary, this variant meets criteria to be classified as likely benign. ACMG/AMP criteria applied, as specified by the Myeloid Malignancy Variant Curation Expert Panel for RUNX1: BP4, BP7, PM2_supporting.

Labcorp Genetics (formerly Invitae), Labcorp
Classification: Likely benign for Hereditary thrombocytopenia and hematological cancer predisposition syndrome associated with RUNX1. Last evaluated: 2022-03-16. Review status: criteria provided, single submitter. Criteria: Invitae Variant Classification Sherloc (09022015). Collection method: clinical testing. Allele origin: germline. Not counted in ClinVar's aggregate classification.

NM_001754.5(RUNX1):c.97+10dup

Gene: RUNX1 (RUNX family transcription factor 1; minus strand). Cytogenetic location: 21q22.12.
Variant type: Duplication.
Coding change: c.97+10dup on transcript NM_001754.5 (MANE Select); 10 bases into the intron after coding-DNA position 97, one base duplicated (A; older notation c.97+10dupA).
Molecular consequence: intron variant.
Genome position (GRCh38, 1-based): chr21:34,892,915, T duplicated on the plus strand (A on the coding strand, the reverse complement: RUNX1 is on the minus strand); the first of 3 consecutive T bases (chr21:34,892,915-34,892,917); duplicating any one gives the same sequence. VCF-style (leftmost placement, unchanged base first): chr21-34892914-A-AT. GRCh37 (hg19) VCF-style: chr21-36265211-A-AT.
Identifiers: ClinVar variation 1921845 (VCV001921845.6), dbSNP rs2517535827, ClinGen allele CA2580098654.